The following is an entry in ClinVar:

NM_032444.4(SLX4):c.590T>C (p.Val197Ala)

Gene: SLX4 (SLX4 structure-specific endonuclease subunit; minus strand). Cytogenetic location: 16p13.3.
Variant type: single nucleotide variant.
Coding change: c.590T>C on transcript NM_032444.4 (MANE Select); coding-DNA position 590, T replaced by C.
Protein change: p.Val197Ala; replaces valine 197 with alanine.
Molecular consequence: missense variant.
Genome position (GRCh38, 1-based): chr16:3,606,644, A>G on the plus strand (T>C on the coding strand, the complement: SLX4 is on the minus strand). VCF-style: chr16-3606644-A-G. GRCh37 (hg19) VCF-style: chr16-3656645-A-G.
Other names: c.590T>C (LRG_503t1); short protein forms V197A.
Identifiers: ClinVar variation 241698 (VCV000241698.65), dbSNP rs147826749, ClinGen allele CA7866815.

ClinVar aggregate classification (germline): Conflicting classifications of pathogenicity. Review status: criteria provided, conflicting classifications (1 of 4 stars). 11 submissions from 11 submitters: Uncertain significance (1); Benign (4); Likely benign (4). 2 of the submissions do not count toward it. Last evaluated 2026-09-01.

Conditions:
SLX4-related disorder. Also called: SLX4-related condition.
Fanconi anemia complementation group P. Also called: SLX4-Related Fanconi Anemia. Identifiers: Orphanet 84, MedGen C3469542, MONDO:0013499, OMIM 613951.
Fanconi anemia (FA). Also called: Fanconi's anemia. Identifiers: Orphanet 84, MedGen C0015625, MeSH D005199, MONDO:0019391.

Allele frequency attached by ClinVar (database versions not stated): 1000 Genomes Project 30x 0.00031; 1000 Genomes Project 0.00040; gnomAD 0.00115; gnomAD exomes 0.00139; ExAC 0.00148; TOPMed 0.00154; ESP Exome Variant Server 0.00208.

Submissions (11):

CeGaT Center for Human Genetics Tuebingen
Classification: Benign. Last evaluated: 2026-09-01. Review status: criteria provided, single submitter. Criteria: CeGaT Center For Human Genetics Tuebingen Variant Classification Criteria Version 2. Collection method: clinical testing. Allele origin: germline. Affected: yes. Observed: 19 variant alleles.
Comment: SLX4: BP4, BS1, BS2

Labcorp Genetics (formerly Invitae), Labcorp
Classification: Benign for Fanconi anemia. Last evaluated: 2026-02-02. Review status: criteria provided, single submitter. Criteria: Invitae Variant Classification Sherloc (09022015). Collection method: clinical testing. Allele origin: germline.

Blueprint Genetics
Classification: Likely benign. Last evaluated: 2024-11-19. Review status: criteria provided, single submitter. Criteria: ACMG Guidelines, 2015. Collection method: clinical testing. Allele origin: germline.

Genetic Services Laboratory, University of Chicago
Classification: Likely benign. Last evaluated: 2021-09-21. Review status: criteria provided, single submitter. Criteria: ACMG Guidelines, 2015. Collection method: clinical testing. Allele origin: germline. Affected: no.

GeneDx
Classification: Likely benign. Last evaluated: 2021-03-26. Review status: criteria provided, single submitter. Criteria: GeneDx Variant Classification Process June 2021. Collection method: clinical testing. Allele origin: germline. Affected: yes.
Comment: Identified in the heterozygous state in individuals with familial breast cancer or with bone marrow failure (Landwehr et al., 2011; Fernandez-Rodriguez et al., 2012; Bakker et al., 2013; Shah et al., 2013; Maxwell et al., 2016; Arias-Salgado et al., 2019); In silico analysis, which includes protein predictors and evolutionary conservation, supports that this variant does not alter protein structure/function; This variant is associated with the following publications: (PMID: 27153395, 21805310, 23840564, 22401137, 22911665, 30995915)

St. Jude Molecular Pathology, St. Jude Children's Research Hospital
Classification: Uncertain significance for Fanconi anemia complementation group P. Last evaluated: 2021-03-17. Review status: criteria provided, single submitter. Criteria: St. Jude Assertion Criteria 2020. Collection method: clinical testing. Allele origin: germline.

Sema4
Classification: Benign for Fanconi anemia. Last evaluated: 2020-11-29. Review status: criteria provided, single submitter. Criteria: Sema4 Curation Guidelines. Collection method: curation. Allele origin: germline.

Illumina Laboratory Services, Illumina
Classification: Benign for Fanconi anemia complementation group P. Last evaluated: 2017-04-27. Review status: criteria provided, single submitter. Criteria: ICSL Variant Classification Criteria 13 December 2019. Collection method: clinical testing. Allele origin: germline.
Comment: This variant was observed as part of a predisposition screen in an ostensibly healthy population. A literature search was performed for the gene, cDNA change, and amino acid change (where applicable). Publications were found based on this search. The evidence from the literature, in combination with allele frequency data from public databases where available, was sufficient to rule this variant out of causing disease. Therefore, this variant is classified as benign.

Baylor Genetics
Classification: Likely benign for Fanconi anemia complementation group P. Review status: criteria provided, single submitter. Criteria: ACMG Guidelines, 2015. Collection method: clinical testing. Allele origin: unknown. Study: CSER-TexasKidsCanSeq.

PreventionGenetics, part of Exact Sciences
Classification: Likely benign for SLX4-related condition. Last evaluated: 2024-01-17. Review status: no assertion criteria provided. Collection method: clinical testing. Allele origin: germline. Not counted in ClinVar's aggregate classification.
Comment: This variant is classified as likely benign based on ACMG/AMP sequence variant interpretation guidelines (Richards et al. 2015 PMID: 25741868, with internal and published modifications).

Leiden Open Variation Database
Classification: Likely benign. Last evaluated: 2012-08-31. Review status: no assertion criteria provided. Collection method: curation. Allele origin: germline. Affected: yes. Not counted in ClinVar's aggregate classification.
Comment: Curator: Arleen D. Auerbach. Submitter to LOVD: Janine Bakker.

Literature cited by the submitters: PubMed 21805310 (cited by Sema4 and Illumina Laboratory Services, Illumina); PubMed 22401137 (cited by Sema4); PubMed 23840564 (cited by Sema4); PubMed 27153395 (cited by Sema4); PubMed 30995915 (cited by Sema4); PubMed 22911665 (cited by Sema4 and Leiden Open Variation Database).